The following is an entry in ClinVar:

NM_000138.5(FBN1):c.2473C>T (p.Pro825Ser)

Gene: FBN1 (fibrillin 1; minus strand). Cytogenetic location: 15q21.1.
Variant type: single nucleotide variant.
Coding change: c.2473C>T on transcript NM_000138.5 (MANE Select); coding-DNA position 2473, C replaced by T.
Protein change: p.Pro825Ser; replaces proline 825 with serine.
Molecular consequence: missense variant.
Genome position (GRCh38, 1-based): chr15:48,495,535, G>A on the plus strand (C>T on the coding strand, the complement: FBN1 is on the minus strand). VCF-style: chr15-48495535-G-A. GRCh37 (hg19) VCF-style: chr15-48787732-G-A.
Other names: c.2473C>T, p.Pro825Ser (NM_001406716.1); short protein forms P825S.
Identifiers: ClinVar variation 2925566 (VCV002925566.4), dbSNP rs1326854455, ClinGen allele CA392334518.

ClinVar aggregate classification (germline): Uncertain significance. Review status: criteria provided, multiple submitters, no conflicts (2 of 4 stars). 2 submissions from 2 submitters: Uncertain significance (2). Last evaluated 2024-07-29.

Conditions:
Marfan syndrome (MFS). Also called: MARFAN SYNDROME, TYPE I; Marfan syndrome type 1; Marfan's syndrome; Marfan syndrome, classic; FBN1-Related Marfan Syndrome. Identifiers: Orphanet 284963, Orphanet 558, MedGen C0024796, MONDO:0007947, OMIM 154700.
Familial thoracic aortic aneurysm and aortic dissection (TAAD). Also called: Thoracic aortic aneurysms and dissections. Identifiers: Orphanet 91387, MedGen C4707243, MONDO:0019625.

Allele frequency attached by ClinVar (database versions not stated): gnomAD exomes below 0.00001; TOPMed below 0.00001; gnomAD 0.00001.
gnomAD v4.1: 2 of 1,613,842 alleles (0.00012%); highest among the groups gnomAD compares: Non-Finnish European, 0.00017%; no homozygotes.

Submissions (2):

All of Us Research Program, National Institutes of Health
Classification: Uncertain significance for Marfan syndrome. Last evaluated: 2024-07-29. Review status: criteria provided, single submitter. Criteria: ACMG Guidelines, 2015. Collection method: clinical testing. Allele origin: germline. Inheritance: Autosomal dominant inheritance. Observed: 1 variant allele, 1 heterozygote.
Comment: This missense variant replaces proline with serine at codon 825 of the FBN1 protein. Computational prediction tools indicate that this variant has a neutral impact on protein structure and function. To our knowledge, functional studies have not been reported for this variant. This variant has been reported in an individual affected with Marfan syndrome (PMID: 25652356). It has also been reported in an individual affected with isolated ectopia lentis (PMID: 22736615) and in a family with several individuals affected with a Marfan-like phenotype including aortic dilation and mitral valve prolapse (PMID: 17627385). This variant has been identified in 1/31386 chromosomes in the general population by the Genome Aggregation Database (gnomAD). The available evidence is insufficient to determine the role of this variant in disease conclusively. Therefore, this variant is classified as a Variant of Uncertain Significance.

This study involves interpretation of variants in research participants for the purpose of population health screening. Participant phenotype was not available at the time of variant classification. Additional details can be found in publication PMID: 35346344, PMCID: PMC8962531

Labcorp Genetics (formerly Invitae), Labcorp
Classification: Uncertain significance for Marfan syndrome; Familial thoracic aortic aneurysm and aortic dissection. Last evaluated: 2023-06-28. Review status: criteria provided, single submitter. Criteria: Invitae Variant Classification Sherloc (09022015). Collection method: clinical testing. Allele origin: germline.
Comment: In summary, the available evidence is currently insufficient to determine the role of this variant in disease. Therefore, it has been classified as a Variant of Uncertain Significance. Advanced modeling of protein sequence and biophysical properties (such as structural, functional, and spatial information, amino acid conservation, physicochemical variation, residue mobility, and thermodynamic stability) performed at Invitae indicates that this missense variant is not expected to disrupt FBN1 protein function. This missense change has been observed in individuals with isolated ectopia lentis and clinical features of Marfan syndrome (PMID: 19161152, 22736615; Invitae). This variant is present in population databases (no rsID available, gnomAD 0.007%). This sequence change replaces proline, which is neutral and non-polar, with serine, which is neutral and polar, at codon 825 of the FBN1 protein (p.Pro825Ser).

Literature cited by the submitters: PubMed 17627385 (cited by All of Us Research Program, National Institutes of Health); PubMed 22736615 (cited by All of Us Research Program, National Institutes of Health and Labcorp Genetics (formerly Invitae), Labcorp); PubMed 25652356 (cited by All of Us Research Program, National Institutes of Health); PubMed 19161152 (cited by Labcorp Genetics (formerly Invitae), Labcorp).